The following is an entry in ClinVar:

NM_014845.6(FIG4):c.2432C>G (p.Ser811Ter)

Gene: FIG4 (FIG4 phosphoinositide 5-phosphatase; plus strand). Cytogenetic location: 6q21.
Variant type: single nucleotide variant.
Coding change: c.2432C>G on transcript NM_014845.6 (MANE Select); coding-DNA position 2432, C replaced by G.
Protein change: p.Ser811Ter; replaces serine 811 with a stop codon.
Molecular consequence: nonsense.
Genome position (GRCh38, 1-based): chr6:109,792,637, C>G. VCF-style: chr6-109792637-C-G. GRCh37 (hg19) VCF-style: chr6-110113840-C-G.
Other names: short protein forms S811*.
Identifiers: ClinVar variation 978468 (VCV000978468.5), dbSNP rs1778167658, ClinGen allele CA365217766.

ClinVar aggregate classification (germline): Likely pathogenic (1 of 4 stars; one submission).

Conditions:
Severe global developmental delay. Also called: Severe psychomotor retardation. Identifiers: MedGen C1837397, HP:0011344.
Penile hypospadias. Identifiers: MedGen C1691215, HP:0003244.
Micropenis. Identifiers: MedGen C4551492, HP:0000054.
Abnormality of the skeletal system. Identifiers: MedGen C4021790, HP:0000924.
Failure to thrive. Also called: Pediatric failure to thrive. Identifiers: MedGen C2315100, HP:0001508.

Submission:

Diagnostics Services (NGS), CSIR - Centre For Cellular And Molecular Biology
Classification: Likely pathogenic for Micropenis; Hypospadias; Failure to thrive; Abnormality of the skeletal system; Severe global developmental delay. Last evaluated: 2020-07-31. Review status: criteria provided, single submitter. Criteria: ACMG Guidelines, 2015. Collection method: clinical testing. Allele origin: germline. Inheritance: Autosomal recessive inheritance. Affected: yes. Observed: 1 homozygote.
Comment: The c.2432C>G variant is not present in publicly available population databases like 1000 Genomes, Exome Variant Server (EVS), Exome Aggregation Consortium (ExAC), Genome Aggregation Database (gnomAD) and dbSNP. The variant is not present in our in-house exome database. The variant was not reported to ClinVar, Human Genome Mutation Database database (HGMD) and OMIM databases in any affected individuals. In-silico pathogenicity prediction programs like MutationTaster2, CADD etc. predicted this variant to be likely deleterious. The variant creates a premature stop codon that may either produce a truncated protein or cause a nonsense mediated decay of the mRNA resulting in no protein. There are no reported functional studies present with this variant. FIG4 gene is known to cause Yunis-Varon syndrome (MIM#216340) where abnormal genital development is seen in males along with skeletal defects, including cleidocranial dysplasia and digital anomalies and severe neurologic involvement with neuronal loss. The variant meets our criteria to be classified as likely pathogenic.